The following is an entry in ClinVar:

ClinVar aggregate classification (germline): Uncertain significance (1 of 4 stars; one submission).

gnomAD v4.1: 1 of 1,613,972 alleles (0.000062%); highest among the groups gnomAD compares: East Asian, 0.0022%; no homozygotes.

Submission:

Labcorp Genetics (formerly Invitae), Labcorp
Classification: Uncertain significance. Last evaluated: 2025-07-20. Review status: criteria provided, single submitter. Criteria: Invitae Variant Classification Sherloc (09022015). Collection method: clinical testing. Allele origin: germline.
Comment: This sequence change replaces proline, which is neutral and non-polar, with threonine, which is neutral and polar, at codon 729 of the ALPK3 protein (p.Pro729Thr). This variant is present in population databases (rs369948504, gnomAD 0.006%). This variant has not been reported in the literature in individuals affected with ALPK3-related conditions. Invitae Evidence Modeling of protein sequence and biophysical properties (such as structural, functional, and spatial information, amino acid conservation, physicochemical variation, residue mobility, and thermodynamic stability) indicates that this missense variant is expected to disrupt ALPK3 protein function with a positive predictive value of 80%. In summary, the available evidence is currently insufficient to determine the role of this variant in disease. Therefore, it has been classified as a Variant of Uncertain Significance.

NM_020778.5(ALPK3):c.1579C>A (p.Pro527Thr)

Genes: ALPK3 (alpha kinase 3; plus strand), LOC111718493 (skeletal muscle cis-regulatory module overlapping ALPK3; plus strand). Cytogenetic location: 15q25.3.
Variant type: single nucleotide variant.
Coding change: c.1579C>A on transcript NM_020778.5 (MANE Select); coding-DNA position 1579, C replaced by A.
Protein change: p.Pro527Thr; replaces proline 527 with threonine.
Molecular consequence: missense variant.
Genome position (GRCh38, 1-based): chr15:84,840,858, C>A. VCF-style: chr15-84840858-C-A. GRCh37 (hg19) VCF-style: chr15-85384089-C-A.
Other names: short protein forms P527T.
Identifiers: ClinVar variation 4746450 (VCV004746450.1).
Genomic context (GRCh38, chr15:84,840,858, plus strand): 5'-GAATGCGGGGCCCAGAGCTTAGGAAAGGCCCCACCTCAGGCCTCTGTGCAGGTGCCGACG[C>A]CCCCTGCCCGGCGGAGACATGGCACCCGGGACAGCACGTTGCAGGGGCAAGCAGGCCACA-3'
Protein context (NP_065829.4, residues 517-537): PPQASVQVPT[Pro527Thr]PARRRHGTRD